The following is an entry in ClinVar:

ClinVar aggregate classification (germline): Uncertain significance (1 of 4 stars; one submission).

Allele frequency attached by ClinVar (database versions not stated): ExAC 0.00001.
gnomAD v4.1: 4 of 1,614,080 alleles (0.00025%); no homozygotes.

Submission:

Labcorp Genetics (formerly Invitae), Labcorp
Classification: Uncertain significance. Last evaluated: 2022-06-29. Review status: criteria provided, single submitter. Criteria: Invitae Variant Classification Sherloc (09022015). Collection method: clinical testing. Allele origin: germline.
Comment: In summary, the available evidence is currently insufficient to determine the role of this variant in disease. Therefore, it has been classified as a Variant of Uncertain Significance. Algorithms developed to predict the effect of missense changes on protein structure and function (SIFT, PolyPhen-2, Align-GVGD) all suggest that this variant is likely to be disruptive. This variant has not been reported in the literature in individuals affected with CYP7A1-related conditions. This variant is present in population databases (rs761546326, gnomAD no frequency). This sequence change replaces lysine, which is basic and polar, with threonine, which is neutral and polar, at codon 107 of the CYP7A1 protein (p.Lys107Thr).

NM_000780.4(CYP7A1):c.320A>C (p.Lys107Thr)

Gene: CYP7A1 (cytochrome P450 family 7 subfamily A member 1; minus strand). Cytogenetic location: 8q12.1.
Variant type: single nucleotide variant.
Coding change: c.320A>C on transcript NM_000780.4 (MANE Select); coding-DNA position 320, A replaced by C.
Protein change: p.Lys107Thr; replaces lysine 107 with threonine.
Molecular consequence: missense variant.
Genome position (GRCh38, 1-based): chr8:58,498,230, T>G on the plus strand (A>C on the coding strand, the complement: CYP7A1 is on the minus strand). VCF-style: chr8-58498230-T-G. GRCh37 (hg19) VCF-style: chr8-59410789-T-G.
Other names: short protein forms K107T.
Identifiers: ClinVar variation 2419518 (VCV002419518.6), dbSNP rs761546326, ClinGen allele CA4756833.